The following is an entry in ClinVar:

ClinVar aggregate classification (germline): Pathogenic (1 of 4 stars; one submission).

Conditions:
Hereditary cancer-predisposing syndrome. Also called: Hereditary Cancer Syndrome; Neoplastic Syndromes, Hereditary; Hereditary neoplastic syndrome; Tumor predisposition. Identifiers: Orphanet 140162, MedGen C0027672, MeSH D009386, MONDO:0015356.

Submission:

Ambry Genetics
Classification: Pathogenic for Hereditary cancer-predisposing syndrome. Last evaluated: 2015-04-08. Review status: criteria provided, single submitter. Criteria: Ambry Autosomal Dominant and X-Linked criteria (10/2015). Collection method: clinical testing. Allele origin: germline. Observed: 1 variant allele.
Comment: The c.3253delAinsTC pathogenic mutation, located in coding exon 5 of the MSH6 gene, results from the deletion of one nucleotide and insertion of two nucleotidescausing a translational frameshift with a predicted alternate stop codon. Since frameshifts are typically deleterious in nature, this alteration is interpreted as a disease-causing mutation (ACMG Recommendations for Standards for Interpretation and Reporting of Sequence Variations. Revision 2007. Genet Med. 2008;10:294).

NM_000179.3(MSH6):c.3253delinsTC (p.Thr1085fs)

Gene: MSH6 (mutS homolog 6; plus strand). Cytogenetic location: 2p16.3.
Variant type: Indel.
Coding change: c.3253delinsTC on transcript NM_000179.3 (MANE Select); coding-DNA position 3253, A replaced by TC.
Protein change: p.Thr1085fs; shifts the reading frame from threonine 1085.
Molecular consequence: frameshift variant.
Genome position (GRCh38, 1-based): chr2:47,803,500, A replaced by TC. VCF-style: chr2-47803500-A-TC. GRCh37 (hg19) VCF-style: chr2-48030639-A-TC.
Other names: c.2863delinsTC, p.Thr955fs (NM_001281492.2); c.2347delinsTC, p.Thr783fs (NM_001281493.2, NM_001281494.2); c.3253delAinsTC (NM_000179.2); short protein forms T955fs, T1085fs, T783fs.
Identifiers: ClinVar variation 428310 (VCV000428310.3), dbSNP rs1114167705, ClinGen allele CA645369287.